The following is an entry in ClinVar:

NM_001082971.2(DDC):c.187A>T (p.Ile63Leu)

Gene: DDC (dopa decarboxylase; minus strand). Cytogenetic location: 7p12.1.
Variant type: single nucleotide variant.
Coding change: c.187A>T on transcript NM_001082971.2 (MANE Select); coding-DNA position 187, A replaced by T.
Protein change: p.Ile63Leu; replaces isoleucine 63 with leucine.
Molecular consequence: missense variant.
Genome position (GRCh38, 1-based): chr7:50,543,899, T>A on the plus strand (A>T on the coding strand, the complement: DDC is on the minus strand). VCF-style: chr7-50543899-T-A. GRCh37 (hg19) VCF-style: chr7-50611597-T-A.
Other names: c.187A>T, p.Ile63Leu (NM_000790.4, NM_001242886.2, NM_001242887.2 and 3 more transcripts); short protein forms I63L.
Identifiers: ClinVar variation 1014630 (VCV001014630.9), dbSNP rs769369623, ClinGen allele CA367531341.

ClinVar aggregate classification (germline): Uncertain significance (1 of 4 stars; one submission).

Conditions:
Deficiency of aromatic-L-amino-acid decarboxylase. Also called: DDC DEFICIENCY; DOPA DECARBOXYLASE DEFICIENCY; AADC DEFICIENCY; Aromatic amino acid decarboxylase deficiency; Aromatic L-Amino Acid Decarboxylase Deficiency. Identifiers: Orphanet 35708, MedGen C1291564, MONDO:0012084, OMIM 608643.

gnomAD v4.1: 4 of 1,614,128 alleles (0.00025%); highest among the groups gnomAD compares: Admixed American, 0.0067%; no homozygotes.

Submission:

Labcorp Genetics (formerly Invitae), Labcorp
Classification: Uncertain significance for Deficiency of aromatic-L-amino-acid decarboxylase. Last evaluated: 2021-12-20. Review status: criteria provided, single submitter. Criteria: Invitae Variant Classification Sherloc (09022015). Collection method: clinical testing. Allele origin: germline.
Comment: In summary, the available evidence is currently insufficient to determine the role of this variant in disease. Therefore, it has been classified as a Variant of Uncertain Significance. Algorithms developed to predict the effect of missense changes on protein structure and function are either unavailable or do not agree on the potential impact of this missense change (SIFT: "Deleterious"; PolyPhen-2: "Possibly Damaging"; Align-GVGD: "Class C0"). ClinVar contains an entry for this variant (Variation ID: 1014630). This variant has not been reported in the literature in individuals affected with DDC-related conditions. This variant is present in population databases (no rsID available, gnomAD 0.01%). This sequence change replaces isoleucine, which is neutral and non-polar, with leucine, which is neutral and non-polar, at codon 63 of the DDC protein (p.Ile63Leu).